The following is an entry in ClinVar:

NM_001303256.3(MORC2):c.317+13G>T

Gene: MORC2 (MORC family CW-type zinc finger 2; minus strand). Cytogenetic location: 22q12.2.
Variant type: single nucleotide variant.
Coding change: c.317+13G>T on transcript NM_001303256.3 (MANE Select); 13 bases into the intron after coding-DNA position 317, G replaced by T.
Molecular consequence: intron variant.
Genome position (GRCh38, 1-based): chr22:30,949,739, C>A on the plus strand (G>T on the coding strand, the complement: MORC2 is on the minus strand). VCF-style: chr22-30949739-C-A. GRCh37 (hg19) VCF-style: chr22-31345725-C-A.
Other names: c.317+13G>T (NM_001303257.2); c.131+13G>T (NM_014941.3).
Identifiers: ClinVar variation 3765758 (VCV003765758.1).

ClinVar aggregate classification (germline): Uncertain significance (1 of 4 stars; one submission).

Submission:

Greenwood Genetic Center Diagnostic Laboratories, Greenwood Genetic Center
Classification: Uncertain significance. Last evaluated: 2024-11-08. Review status: criteria provided, single submitter. Criteria: ACMG Guidelines, 2015. Collection method: clinical testing. Allele origin: germline. Affected: yes.
Comment: PM2, BP4